The following is an entry in ClinVar:

NM_001875.5(CPS1):c.2086G>T (p.Glu696Ter)

Gene: CPS1 (carbamoyl-phosphate synthase 1; plus strand). Cytogenetic location: 2q34.
Variant type: single nucleotide variant.
Coding change: c.2086G>T on transcript NM_001875.5 (MANE Select); coding-DNA position 2086, G replaced by T.
Protein change: p.Glu696Ter; replaces glutamic acid 696 with a stop codon.
Molecular consequence: nonsense. On other transcripts: non-coding transcript variant (2).
Genome position (GRCh38, 1-based): chr2:210,606,835, G>T. VCF-style: chr2-210606835-G-T. GRCh37 (hg19) VCF-style: chr2-211471559-G-T.
Other names: c.2086G>T, p.Glu696Ter (NM_001122633.3, NM_001369257.1); c.2119G>T, p.Glu707Ter (NM_001369256.1); short protein forms E696*, E707*.
Identifiers: ClinVar variation 4814950 (VCV004814950.1).
Genomic context (GRCh38, chr2:210,606,835, plus strand): 5'-GAGTTTCAGATGTTGAGACGTACTTCAATCAATGTTGTTCGCCACTTGGGCATTGTGGGT[G>T]AATGCAACATTCAGTTTGCCCTTCATCCTACCTCAATGGAATACTGCATCATTGAAGTGA-3'

ClinVar aggregate classification (germline): Likely pathogenic (1 of 4 stars; one submission).

Conditions:
Congenital hyperammonemia, type I. Also called: Carbamoyl phosphate synthetase I deficiency disease; CPS I DEFICIENCY; Carbamoyl phosphate synthetase 1 deficiency; Hyperammonemia due to carbamoyl phosphate synthetase 1 deficiency; CPS 1 deficiency; Carbamyl phosphate synthetase (CPS) deficiency. Identifiers: Orphanet 147, MedGen C4082171, MONDO:0009376, OMIM 237300.

Submission:

Natera, Inc.
Classification: Likely pathogenic for Carbamoyl-phosphate synthase I deficiency. Last evaluated: 2024-12-07. Review status: criteria provided, single submitter. Criteria: Natera Variant Classification Schema (03/2026). Collection method: clinical testing. Allele origin: germline.
Comment: The c.2086G>T variant in CPS1 is a nonsense variant predicted to introduce a stop codon at amino acid 696. This variant is expected to result in nonsense mediated decay, truncation, or a dysfunctional protein product. This variant is rare in the general population with a frequency below the threshold expected for the associated phenotype(s). Given the available evidence, this variant is classified as Likely Pathogenic.